The following is an entry in ClinVar:

NM_016102.4(TRIM17):c.883+137T>C

Gene: TRIM17 (tripartite motif containing 17; minus strand). Cytogenetic location: 1q42.13.
Variant type: single nucleotide variant.
Coding change: c.883+137T>C on transcript NM_016102.4 (MANE Select); 137 bases into the intron after coding-DNA position 883, T replaced by C.
Molecular consequence: genic downstream transcript variant. On other transcripts: synonymous variant (1).
Genome position (GRCh38, 1-based): chr1:228,409,035, A>G on the plus strand (T>C on the coding strand, the complement: TRIM17 is on the minus strand). VCF-style: chr1-228409035-A-G. GRCh37 (hg19) VCF-style: chr1-228596736-A-G.
Other names: c.1020T>C, p.Thr340= (NM_001134855.2); c.883+137T>C (NM_001024940.3).
Identifiers: ClinVar variation 2640058 (VCV002640058.24), dbSNP rs778749935, ClinGen allele CA1440944.

ClinVar aggregate classification (germline): Likely benign (1 of 4 stars; one submission).

Allele frequency attached by ClinVar (database versions not stated): ExAC 0.00001; TOPMed 0.00002; gnomAD 0.00005; gnomAD exomes 0.00008.
gnomAD v4.1: 118 of 1,608,596 alleles (0.0073%); highest among the groups gnomAD compares: African/African-American, 0.016%; no homozygotes.

Submission:

CeGaT Center for Human Genetics Tuebingen
Classification: Likely benign. Last evaluated: 2022-11-01. Review status: criteria provided, single submitter. Criteria: CeGaT Center For Human Genetics Tuebingen Variant Classification Criteria Version 2. Collection method: clinical testing. Allele origin: germline. Affected: yes. Observed: 1 variant allele.
Comment: TRIM17: BP4, BP7